The following is an entry in ClinVar:

NC_000002.11:g.(?_61244895)_(61275905_?)del

Genes: PUS10 (pseudouridine synthase 10; minus strand), PEX13 (peroxisomal biogenesis factor 13; plus strand). Cytogenetic location: 2p16.1.
Variant type: Deletion.
Identifiers: ClinVar variation 3247397 (VCV003247397.1).

ClinVar aggregate classification (germline): Pathogenic (1 of 4 stars; one submission).

Conditions:
Peroxisome biogenesis disorder 11A (Zellweger). Also called: Peroxisome biogenesis disorder 11A. Identifiers: Orphanet 912, MedGen C3554000, MONDO:0013949, OMIM 614883.

Submission:

Labcorp Genetics (formerly Invitae), Labcorp
Classification: Pathogenic for Peroxisome biogenesis disorder 11A (Zellweger). Last evaluated: 2023-10-08. Review status: criteria provided, single submitter. Criteria: Invitae Variant Classification Sherloc (09022015). Collection method: clinical testing. Allele origin: unknown.
Comment: A gross deletion of the genomic region encompassing the full coding sequence of the PEX13 gene has been identified. Loss-of-function variants in PEX13 are known to be pathogenic (PMID: 10332040, 21031596). The boundaries of this event are unknown as they extend beyond the assayed region for this gene and therefore may encompass additional genes. Isolated whole-gene deletions of PEX13 have not been reported in the literature. However, larger copy number events that include this gene have been reported (PMID: 19449432). For these reasons, this variant has been classified as Pathogenic.

Literature cited by the submitters: PubMed 10332040; PubMed 21031596; PubMed 19449432.